The following is an entry in ClinVar:

NM_000203.5(IDUA):c.1651-2A>G

Gene: IDUA (alpha-L-iduronidase; plus strand). Cytogenetic location: 4p16.3.
Variant type: single nucleotide variant.
Coding change: c.1651-2A>G on transcript NM_000203.5 (MANE Select); the canonical splice acceptor site of the intron before coding-DNA position 1651, A replaced by G.
Molecular consequence: splice acceptor variant.
Genome position (GRCh38, 1-based): chr4:1,003,547, A>G. VCF-style: chr4-1003547-A-G. GRCh37 (hg19) VCF-style: chr4-997335-A-G.
Other names: c.1255-2A>G (NM_001363576.1).
Identifiers: ClinVar variation 1066684 (VCV001066684.7), dbSNP rs2153022990, ClinGen allele CA355965146.

ClinVar aggregate classification (germline): Likely pathogenic (1 of 4 stars; one submission).

Conditions:
Mucopolysaccharidosis type 1. Also called: Mucopolysaccharidosis Type I; IDUA deficiency; MPS I. Identifiers: Orphanet 579, MedGen C0023786, MONDO:0001586.

Submission:

Labcorp Genetics (formerly Invitae), Labcorp
Classification: Likely pathogenic for Mucopolysaccharidosis type 1. Last evaluated: 2021-10-27. Review status: criteria provided, single submitter. Criteria: Invitae Variant Classification Sherloc (09022015). Collection method: clinical testing. Allele origin: germline.
Comment: Disruption of this splice site has been observed in individual(s) with clinical features of mucopolysaccharidosis type I (PMID: 12559846). ClinVar contains an entry for this variant (Variation ID: 1066684). Algorithms developed to predict the effect of sequence changes on RNA splicing suggest that this variant may disrupt the consensus splice site. In summary, the currently available evidence indicates that the variant is pathogenic, but additional data are needed to prove that conclusively. Therefore, this variant has been classified as Likely Pathogenic. This variant is not present in population databases (gnomAD no frequency). This sequence change affects an acceptor splice site in intron 11 of the IDUA gene. It is expected to disrupt RNA splicing. Variants that disrupt the donor or acceptor splice site typically lead to a loss of protein function (PMID: 16199547), and loss-of-function variants in IDUA are known to be pathogenic (PMID: 11735025, 21480867).

Literature cited by the submitters: PubMed 12559846; PubMed 16199547; PubMed 11735025; PubMed 21480867.